The following is an entry in ClinVar:

ClinVar aggregate classification (germline): Uncertain significance (1 of 4 stars; one submission).

Allele frequency attached by ClinVar (database versions not stated): TOPMed 0.00001.

Submission:

GeneDx
Classification: Uncertain significance. Last evaluated: 2014-11-17. Review status: criteria provided, single submitter. Criteria: GeneDx Variant Classification (06012015). Collection method: clinical testing. Allele origin: germline. Affected: yes.
Comment: c.-22 C>T in exon 1 of the ADSL gene (NM_000026.2) The c.-22 C>T sequence change in the 5' untranslated region of the ADSL gene has not been published as a mutation, nor has it been reported as a benign polymorphism to our knowledge. The c.-22 C>T variant was not observed in approximately 6,500 individuals of European and African American ancestry in the NHLBI Exome Sequencing Project, indicating it is not a common benign variant in these populations. Although this variant is not expected to alter the ATG initiation codon or Kozak sequence, other regulatory mutations have been reported in the ADSL gene in association with ADSL deficiency. However, in the absence of RNA/functional studies, the actual effect of this sequence change is unknown. Therefore, based on the currently available information, it is unclear whether this variant is a pathogenic mutation or a rare benign variant. The variant is found in INFANT-EPI panel(s).

NM_000026.4(ADSL):c.-22C>T

Gene: ADSL (adenylosuccinate lyase; plus strand). Cytogenetic location: 22q13.1.
Variant type: single nucleotide variant.
Coding change: c.-22C>T on transcript NM_000026.4 (MANE Select); 22 bases upstream of the start codon, C replaced by T.
Molecular consequence: 5 prime UTR variant. On other transcripts: non-coding transcript variant (1).
Genome position (GRCh38, 1-based): chr22:40,346,537, C>T. VCF-style: chr22-40346537-C-T. GRCh37 (hg19) VCF-style: chr22-40742541-C-T.
Other names: c.-22C>T (NM_001123378.3, NM_001363840.3); c.-159C>T (NM_001317923.2).
Identifiers: ClinVar variation 204818 (VCV000204818.2), dbSNP rs746438478, ClinGen allele CA313147.